The following is an entry in ClinVar:

NM_000255.4(MMUT):c.1907C>T (p.Thr636Ile)

Gene: MMUT (methylmalonyl-CoA mutase; minus strand). Cytogenetic location: 6p12.3.
Variant type: single nucleotide variant.
Coding change: c.1907C>T on transcript NM_000255.4 (MANE Select); coding-DNA position 1907, C replaced by T.
Protein change: p.Thr636Ile; replaces threonine 636 with isoleucine.
Molecular consequence: missense variant.
Genome position (GRCh38, 1-based): chr6:49,440,255, G>A on the plus strand (C>T on the coding strand, the complement: MMUT is on the minus strand). VCF-style: chr6-49440255-G-A. GRCh37 (hg19) VCF-style: chr6-49407968-G-A.
Other names: short protein forms T636I.
Identifiers: ClinVar variation 2419771 (VCV002419771.5), dbSNP rs1162742566, ClinGen allele CA364395049.
Genomic context (GRCh38, chr6:49,440,255, plus strand): 5'-GTTTTTAGTACCTGGAAAAGAGGGCCTATGTCCACATCAAAACCAAGATCAGCAAATCCT[G>A]TAGCAATAACTTTTGCTCCTCTGTCATGGCCATCTTGTCCCATTTTTGCTACAAGAAGAC-3'
Protein context (NP_000246.2, residues 626-646): GHDRGAKVIA[Thr636Ile]GFADLGFDVD

ClinVar aggregate classification (germline): Uncertain significance (1 of 4 stars; one submission).

Allele frequency attached by ClinVar (database versions not stated): gnomAD exomes below 0.00001.
gnomAD v4.1: 8 of 1,614,070 alleles (0.0005%); highest among the groups gnomAD compares: Non-Finnish European, 0.00042%; no homozygotes.

Submission:

Labcorp Genetics (formerly Invitae), Labcorp
Classification: Uncertain significance. Last evaluated: 2024-06-17. Review status: criteria provided, single submitter. Criteria: Invitae Variant Classification Sherloc (09022015). Collection method: clinical testing. Allele origin: germline.
Comment: This sequence change replaces threonine, which is neutral and polar, with isoleucine, which is neutral and non-polar, at codon 636 of the MUT protein (p.Thr636Ile). This variant is not present in population databases (gnomAD no frequency). This variant has not been reported in the literature in individuals affected with MUT-related conditions. ClinVar contains an entry for this variant (Variation ID: 2419771). Advanced modeling of protein sequence and biophysical properties (such as structural, functional, and spatial information, amino acid conservation, physicochemical variation, residue mobility, and thermodynamic stability) performed at Invitae indicates that this missense variant is expected to disrupt MUT protein function with a positive predictive value of 95%. In summary, the available evidence is currently insufficient to determine the role of this variant in disease. Therefore, it has been classified as a Variant of Uncertain Significance.